The following is an entry in ClinVar:

NM_182961.4(SYNE1):c.2882G>A (p.Arg961Gln)

Gene: SYNE1 (spectrin repeat containing nuclear envelope protein 1; minus strand). Cytogenetic location: 6q25.2.
Variant type: single nucleotide variant.
Coding change: c.2882G>A on transcript NM_182961.4 (MANE Select); coding-DNA position 2882, G replaced by A.
Protein change: p.Arg961Gln; replaces arginine 961 with glutamine.
Molecular consequence: missense variant.
Genome position (GRCh38, 1-based): chr6:152,455,436, C>T on the plus strand (G>A on the coding strand, the complement: SYNE1 is on the minus strand). VCF-style: chr6-152455436-C-T. GRCh37 (hg19) VCF-style: chr6-152776571-C-T.
Other names: p.Arg968Gln; c.2903G>A, p.Arg968Gln (NM_033071.5); short protein forms R961Q, R968Q.
Identifiers: ClinVar variation 195837 (VCV000195837.69), dbSNP rs76646638, ClinGen allele CA201957.

ClinVar aggregate classification (germline): Benign/Likely benign. Review status: criteria provided, multiple submitters, no conflicts (2 of 4 stars). 16 submissions from 15 submitters: Benign (4); Likely benign (8). 4 of the submissions do not count toward it. Last evaluated 2026-01-19.

Conditions:
SYNE1-related disorder. Also called: SYNE1-related disorders; SYNE1-related disease; SYNE1-related condition.
Autosomal recessive ataxia, Beauce type. Also called: SYNE1-Related Autosomal Recessive Cerebellar Ataxia; ATAXIA, RECESSIVE, OF BEAUCE; SYNE1 Deficiency; Spinocerebellar ataxia, autosomal recessive 8. Identifiers: Orphanet 88644, MedGen C1853116, MONDO:0012549, OMIM 610743.
Emery-Dreifuss muscular dystrophy 4, autosomal dominant (EDMD4). Also called: EMERY-DREIFUSS MUSCULAR DYSTROPHY 4 WITH VARIABLE FEATURES. Identifiers: Orphanet 261, MedGen C2751807, MONDO:0013071, OMIM 612998.

Allele frequency attached by ClinVar (database versions not stated): TOPMed 0.00296; gnomAD 0.00314 and 0.00294; gnomAD exomes 0.00115 and 0.00131; ExAC 0.00175; 1000 Genomes Project 30x 0.00203; 1000 Genomes Project 0.00220; ESP Exome Variant Server 0.00361.
gnomAD v4.1: 2,144 of 1,613,946 alleles (0.13%); highest among the groups gnomAD compares: African/African-American, 0.81%; 6 homozygotes.

Submissions (16):

Labcorp Genetics (formerly Invitae), Labcorp
Classification: Likely benign for Emery-Dreifuss muscular dystrophy 4, autosomal dominant; Autosomal recessive ataxia, Beauce type. Last evaluated: 2026-01-19. Review status: criteria provided, single submitter. Criteria: Invitae Variant Classification Sherloc (09022015). Collection method: clinical testing. Allele origin: germline.

Blueprint Genetics
Classification: Likely benign. Last evaluated: 2024-11-06. Review status: criteria provided, single submitter. Criteria: ACMG Guidelines, 2015. Collection method: clinical testing. Allele origin: germline.

CeGaT Center for Human Genetics Tuebingen
Classification: Likely benign. Last evaluated: 2024-04-01. Review status: criteria provided, single submitter. Criteria: CeGaT Center For Human Genetics Tuebingen Variant Classification Criteria Version 2. Collection method: clinical testing. Allele origin: germline. Affected: yes. Observed: 4 variant alleles.
Comment: SYNE1: BP4

Mayo Clinic Laboratories, Mayo Clinic
Classification: Benign. Last evaluated: 2024-03-21. Review status: criteria provided, single submitter. Criteria: ACMG Guidelines, 2015. Collection method: clinical testing. Allele origin: germline. Observed: 5 variant alleles.
Comment: BS1, BS2, BP4

ARUP Laboratories, Molecular Genetics and Genomics, ARUP Laboratories
Classification: Likely benign. Last evaluated: 2023-10-26. Review status: criteria provided, single submitter. Criteria: ARUP Molecular Germline Variant Investigation Process 2024. Collection method: clinical testing. Allele origin: germline.

GeneDx
Classification: Likely benign. Last evaluated: 2021-05-12. Review status: criteria provided, single submitter. Criteria: GeneDx Variant Classification Process June 2021. Collection method: clinical testing. Allele origin: germline. Affected: yes.
Comment: This variant is associated with the following publications: (PMID: 30610203)

Genetic Services Laboratory, University of Chicago
Classification: Likely benign. Last evaluated: 2020-11-11. Review status: criteria provided, single submitter. Criteria: ACMG Guidelines, 2015. Collection method: clinical testing. Allele origin: germline. Affected: no.

Athena Diagnostics
Classification: Benign. Last evaluated: 2018-08-10. Review status: criteria provided, single submitter. Criteria: Athena Diagnostics Criteria. Collection method: clinical testing. Allele origin: germline.

Illumina Laboratory Services, Illumina
Classification: Likely benign for Autosomal recessive ataxia, Beauce type. Last evaluated: 2018-01-12. Review status: criteria provided, single submitter. Criteria: ICSL Variant Classification Criteria 13 December 2019. Collection method: clinical testing. Allele origin: germline.
Comment: This variant was observed in the ICSL laboratory as part of a predisposition screen in an ostensibly healthy population. It had not been previously curated by ICSL or reported in the Human Gene Mutation Database (HGMD: prior to June 1st, 2018), and was therefore a candidate for classification through an automated scoring system. Utilizing variant allele frequency, disease prevalence and penetrance estimates, and inheritance mode, an automated score was calculated to assess if this variant is too frequent to cause the disease. Based on the score and internal cut-off values, a variant classified as likely benign is not then subjected to further curation. The score for this variant resulted in a classification of likely benign for this disease.

Illumina Laboratory Services, Illumina
Classification: Benign for Emery-Dreifuss muscular dystrophy 4, autosomal dominant. Last evaluated: 2018-01-12. Review status: criteria provided, single submitter. Criteria: ICSL Variant Classification Criteria 13 December 2019. Collection method: clinical testing. Allele origin: germline.
Comment: This variant was observed in the ICSL laboratory as part of a predisposition screen in an ostensibly healthy population. It had not been previously curated by ICSL or reported in the Human Gene Mutation Database (HGMD: prior to June 1st, 2018), and was therefore a candidate for classification through an automated scoring system. Utilizing variant allele frequency, disease prevalence and penetrance estimates, and inheritance mode, an automated score was calculated to assess if this variant is too frequent to cause the disease. Based on the score and internal cut-off values, a variant classified as benign is not then subjected to further curation. The score for this variant resulted in a classification of benign for this disease.

Eurofins Ntd Llc (ga)
Classification: Benign. Last evaluated: 2014-10-30. Review status: criteria provided, single submitter. Criteria: EGL Classification Definitions 2015. Collection method: clinical testing. Allele origin: germline. Observed: 1 variant allele, 1 heterozygote.

Breakthrough Genomics
Classification: Likely benign. Review status: criteria provided, single submitter. Criteria: ACMG Guidelines, 2015. Collection method: not provided. Allele origin: germline. Inheritance: Autosomal recessive inheritance. Affected: yes.

PreventionGenetics, part of Exact Sciences
Classification: Benign for SYNE1-related condition. Last evaluated: 2020-10-12. Review status: no assertion criteria provided. Collection method: clinical testing. Allele origin: germline. Not counted in ClinVar's aggregate classification.
Comment: This variant is classified as benign based on ACMG/AMP sequence variant interpretation guidelines (Richards et al. 2015 PMID: 25741868, with internal and published modifications).

Clinical Genetics DNA and cytogenetics Diagnostics Lab, Erasmus MC, Erasmus Medical Center
Classification: Likely benign. Review status: no assertion criteria provided. Collection method: clinical testing. Allele origin: germline. Affected: yes. Study: VKGL Data-share Consensus. Not counted in ClinVar's aggregate classification.

Genome Diagnostics Laboratory, University Medical Center Utrecht
Classification: Likely benign. Review status: no assertion criteria provided. Collection method: clinical testing. Allele origin: germline. Affected: yes. Study: VKGL Data-share Consensus. Not counted in ClinVar's aggregate classification.

Laboratory of Diagnostic Genome Analysis, Leiden University Medical Center (LUMC)
Classification: Likely benign. Review status: no assertion criteria provided. Collection method: clinical testing. Allele origin: germline. Affected: yes. Study: VKGL Data-share Consensus. Not counted in ClinVar's aggregate classification.